The following is an entry in ClinVar:

ClinVar aggregate classification (germline): Uncertain significance. Review status: criteria provided, multiple submitters, no conflicts (2 of 4 stars). 2 submissions from 2 submitters: Uncertain significance (2). Last evaluated 2024-05-07.

gnomAD v4.1: 2 of 1,600,126 alleles (0.00012%); highest among the groups gnomAD compares: South Asian, 0.0023%; no homozygotes.

Submissions (2):

Labcorp Genetics (formerly Invitae), Labcorp
Classification: Uncertain significance. Last evaluated: 2024-05-07. Review status: criteria provided, single submitter. Criteria: Invitae Variant Classification Sherloc (09022015). Collection method: clinical testing. Allele origin: germline.
Comment: This sequence change replaces proline, which is neutral and non-polar, with serine, which is neutral and polar, at codon 300 of the DYNC1I1 protein (p.Pro300Ser). This variant is not present in population databases (gnomAD no frequency). This variant has not been reported in the literature in individuals affected with DYNC1I1-related conditions. An algorithm developed to predict the effect of missense changes on protein structure and function (PolyPhen-2) suggests that this variant is likely to be disruptive. In summary, the available evidence is currently insufficient to determine the role of this variant in disease. Therefore, it has been classified as a Variant of Uncertain Significance.

Ambry Genetics
Classification: Uncertain significance. Last evaluated: 2024-05-02. Review status: criteria provided, single submitter. Criteria: Ambry Variant Classification Scheme 2023. Collection method: clinical testing. Allele origin: germline.

NM_001135556.2(DYNC1I1):c.847C>T (p.Pro283Ser)

Gene: DYNC1I1 (dynein cytoplasmic 1 intermediate chain 1; plus strand). Cytogenetic location: 7q21.3.
Variant type: single nucleotide variant.
Coding change: c.847C>T on transcript NM_001135556.2 (MANE Select); coding-DNA position 847, C replaced by T.
Protein change: p.Pro283Ser; replaces proline 283 with serine.
Molecular consequence: missense variant.
Genome position (GRCh38, 1-based): chr7:95,995,951, C>T. VCF-style: chr7-95995951-C-T. GRCh37 (hg19) VCF-style: chr7-95625263-C-T.
Other names: c.787C>T, p.Pro263Ser (NM_001135557.2, NM_001278422.2); c.838C>T, p.Pro280Ser (NM_001278421.2); c.898C>T, p.Pro300Ser (NM_004411.5); short protein forms P263S, P280S, P283S, P300S.
Identifiers: ClinVar variation 3274153 (VCV003274153.3).